The following is an entry in ClinVar:

NM_004656.4(BAP1):c.1330A>G (p.Thr444Ala)

Gene: BAP1 (BRCA1 associated deubiquitinase 1; minus strand). Cytogenetic location: 3p21.1.
Variant type: single nucleotide variant.
Coding change: c.1330A>G on transcript NM_004656.4 (MANE Select); coding-DNA position 1330, A replaced by G.
Protein change: p.Thr444Ala; replaces threonine 444 with alanine.
Molecular consequence: missense variant.
Genome position (GRCh38, 1-based): chr3:52,403,815, T>C on the plus strand (A>G on the coding strand, the complement: BAP1 is on the minus strand). VCF-style: chr3-52403815-T-C. GRCh37 (hg19) VCF-style: chr3-52437831-T-C.
Other names: c.1330A>G (LRG_529t1); short protein forms T444A.
Identifiers: ClinVar variation 412441 (VCV000412441.34), dbSNP rs374746213, ClinGen allele CA2436824.

ClinVar aggregate classification (germline): Conflicting classifications of pathogenicity. Review status: criteria provided, conflicting classifications (1 of 4 stars). 10 submissions from 10 submitters: Uncertain significance (3); Likely benign (6). 1 of the submissions does not count toward it. Last evaluated 2026-06-01.

Conditions:
BAP1-related disorder. Also called: BAP1-related condition.
Hereditary cancer-predisposing syndrome. Also called: Tumor predisposition; Hereditary neoplastic syndrome; Hereditary Cancer Syndrome; Neoplastic Syndromes, Hereditary. Identifiers: Orphanet 140162, MedGen C0027672, MeSH D009386, MONDO:0015356.
BAP1-related tumor predisposition syndrome (TPDS1). Also called: Tumor susceptibility linked to germline BAP1 mutations; COMMON Syndrome; TUMOR PREDISPOSITION SYNDROME 1; BAP1 tumor predisposition syndrome. Identifiers: Orphanet 289539, MedGen C3280492, MONDO:0013692, OMIM 614327.

Allele frequency attached by ClinVar (database versions not stated): gnomAD exomes 0.00002 and 0.00006; ExAC 0.00011; 1000 Genomes Project 30x 0.00016; 1000 Genomes Project 0.00020; gnomAD 0.00025 and 0.00027; TOPMed 0.00027; ESP Exome Variant Server 0.00038.
gnomAD v4.1: 67 of 1,614,090 alleles (0.0042%); highest among the groups gnomAD compares: African/African-American, 0.081%; no homozygotes.

Submissions (10):

CeGaT Center for Human Genetics Tuebingen
Classification: Uncertain significance. Last evaluated: 2026-06-01. Review status: criteria provided, single submitter. Criteria: CeGaT Center For Human Genetics Tuebingen Variant Classification Criteria Version 2. Collection method: clinical testing. Allele origin: germline. Affected: yes. Observed: 1 variant allele.

Labcorp Genetics (formerly Invitae), Labcorp
Classification: Likely benign for BAP1-related tumor predisposition syndrome. Last evaluated: 2026-01-26. Review status: criteria provided, single submitter. Criteria: Invitae Variant Classification Sherloc (09022015). Collection method: clinical testing. Allele origin: germline.

Quest Diagnostics Nichols Institute San Juan Capistrano
Classification: Likely benign. Last evaluated: 2025-09-17. Review status: criteria provided, single submitter. Criteria: Quest Diagnostics criteria. Collection method: clinical testing. Allele origin: unknown.

Color Diagnostics, LLC DBA Color Health
Classification: Likely benign for Hereditary cancer-predisposing syndrome. Last evaluated: 2024-09-19. Review status: criteria provided, single submitter. Criteria: ACMG Guidelines, 2015. Collection method: clinical testing. Allele origin: germline.

Myriad Genetics, Inc.
Classification: Likely benign for BAP1-related tumor predisposition syndrome. Last evaluated: 2024-07-16. Review status: criteria provided, single submitter. Criteria: Myriad Autosomal Dominant, Autosomal Recessive and X-Linked Classification Criteria (2023). Collection method: clinical testing. Allele origin: unknown.
Comment: This variant is considered likely benign. Homozygosity has been confirmed in one or more individuals. As homozygosity for pathogenic variants in this gene is generally assumed to result in embryonic lethality, this variant is unlikely to be pathogenic.

St. Jude Molecular Pathology, St. Jude Children's Research Hospital
Classification: Uncertain significance for BAP1-related tumor predisposition syndrome. Last evaluated: 2022-05-12. Review status: criteria provided, single submitter. Criteria: St. Jude Assertion Criteria 2020. Collection method: clinical testing. Allele origin: germline.
Comment: The BAP1 c.1330A>G (p.Thr444Ala) missense change has a maximum subpopulation frequency of 0.096% in gnomAD v2.1.1. It is predicted to have a benign effect on protein function (BP4), but to our knowledge this prediction has not been confirmed by functional studies. To our knowledge, this variant has not been reported in individuals with BAP1-related conditions. Five individuals with this variant are reported in a database of women older than 70 years of age who have never had cancer (FLOSSIES). In summary, this variant meets criteria to be classified as of uncertain significance based on the ACMG/AMP criteria: BP4.

GeneDx
Classification: Likely benign. Last evaluated: 2021-04-25. Review status: criteria provided, single submitter. Criteria: GeneDx Variant Classification Process June 2021. Collection method: clinical testing. Allele origin: germline. Affected: yes.

Ambry Genetics
Classification: Likely benign for Hereditary cancer-predisposing syndrome. Last evaluated: 2021-03-31. Review status: criteria provided, single submitter. Criteria: Ambry Variant Classification Scheme 2023. Collection method: clinical testing. Allele origin: germline.

Genetic Services Laboratory, University of Chicago
Classification: Uncertain significance. Last evaluated: 2017-05-30. Review status: criteria provided, single submitter. Criteria: ACMG Guidelines, 2015. Collection method: clinical testing. Allele origin: germline. Affected: no.

PreventionGenetics, part of Exact Sciences
Classification: Likely benign for BAP1-related condition. Last evaluated: 2023-12-11. Review status: no assertion criteria provided. Collection method: clinical testing. Allele origin: germline. Not counted in ClinVar's aggregate classification.
Comment: This variant is classified as likely benign based on ACMG/AMP sequence variant interpretation guidelines (Richards et al. 2015 PMID: 25741868, with internal and published modifications).

Literature cited by the submitters: PubMed 29684080 (cited by Quest Diagnostics Nichols Institute San Juan Capistrano and Ambry Genetics).